The following is an entry in ClinVar:

ClinVar aggregate classification (germline): Uncertain significance (0 of 4 stars; one submission).

Conditions:
OTUD7A-related disorder. Also called: OTUD7A-related condition.

Submission:

PreventionGenetics, part of Exact Sciences
Classification: Uncertain significance for OTUD7A-related condition. Last evaluated: 2024-08-23. Review status: no assertion criteria provided. Collection method: clinical testing. Allele origin: germline.
Comment: The OTUD7A c.1953G>C variant is predicted to result in the amino acid substitution p.Glu651Asp. To our knowledge, this variant has not been reported in the literature or in a large population database, indicating this variant is rare. At this time, the clinical significance of this variant is uncertain due to the absence of conclusive functional and genetic evidence.

NM_001382637.1(OTUD7A):c.1974G>C (p.Glu658Asp)

Gene: OTUD7A (OTU deubiquitinase 7A; minus strand). Cytogenetic location: 15q13.3.
Variant type: single nucleotide variant.
Coding change: c.1974G>C on transcript NM_001382637.1 (MANE Select); coding-DNA position 1974, G replaced by C.
Protein change: p.Glu658Asp; replaces glutamic acid 658 with aspartic acid.
Molecular consequence: missense variant.
Genome position (GRCh38, 1-based): chr15:31,484,122, C>G on the plus strand (G>C on the coding strand, the complement: OTUD7A is on the minus strand). VCF-style: chr15-31484122-C-G. GRCh37 (hg19) VCF-style: chr15-31776325-C-G.
Other names: c.1953G>C, p.Glu651Asp (NM_130901.3); short protein forms E651D, E658D.
Identifiers: ClinVar variation 3349335 (VCV003349335.1).
Genomic context (GRCh38, chr15:31,484,122, plus strand): 5'-CTGCTCCTGCTCGGCGCTGAAGCGCTCCTGCGCGCTCGTCAGGTAGTAGCCGATCATCTC[C>G]TCGTGGAACTGGTGCCGGTGGCTGGTGAGCAGCAGGCCGGCGAAGATGAACTTGCGCTCC-3'
Protein context (NP_001369566.1, residues 648-668): LLTSHRHQFH[Glu658Asp]EMIGYYLTSA